The following is an entry in ClinVar:

ClinVar aggregate classification (germline): Uncertain significance (1 of 4 stars; one submission).

Conditions:
Pan-Chung-Bellen syndrome. Identifiers: MedGen C5975547, MONDO:0975953, OMIM 621049.

gnomAD v4.1: 1 of 1,604,630 alleles (0.000062%); highest among the groups gnomAD compares: Non-Finnish European, 0.000085%; no homozygotes.

Submission:

Department of Paediatrics at Addenbrookes, Cambridge University Hospitals NHS Foundation Trust (UK)
Classification: Uncertain significance for Pan-Chung-Bellen syndrome. Last evaluated: 2025-05-27. Review status: criteria provided, single submitter. Criteria: Durkie Uk Practice Guidelines For Variant Classification V12 2024 (1). Collection method: clinical testing. Allele origin: unknown.
Comment: PM2_Moderate; BP4_Supporting

NM_015030.2(FRYL):c.2254G>T (p.Asp752Tyr)

Gene: FRYL (FRY like transcription coactivator; minus strand). Cytogenetic location: 4p11.
Variant type: single nucleotide variant.
Coding change: c.2254G>T on transcript NM_015030.2 (MANE Select); coding-DNA position 2254, G replaced by T.
Protein change: p.Asp752Tyr; replaces aspartic acid 752 with tyrosine.
Molecular consequence: missense variant.
Genome position (GRCh38, 1-based): chr4:48,580,870, C>A on the plus strand (G>T on the coding strand, the complement: FRYL is on the minus strand). VCF-style: chr4-48580870-C-A. GRCh37 (hg19) VCF-style: chr4-48582887-C-A.
Other names: short protein forms D752Y.
Identifiers: ClinVar variation 4279562 (VCV004279562.1).